The following is an entry in ClinVar:

ClinVar aggregate classification (germline): Pathogenic (1 of 4 stars; one submission).

Conditions:
Osteogenesis imperfecta type I (OI1). Also called: OI, TYPE I; OSTEOGENESIS IMPERFECTA TARDA; OSTEOGENESIS IMPERFECTA WITH BLUE SCLERAE; Classic Non-deforming Osteogenesis Imperfecta with Blue Sclerae; Lobstein's Disease; Osteogenesis imperfecta type 1. Identifiers: Orphanet 216796, Orphanet 666, MedGen C0023931, MONDO:0008146, OMIM 166200. Disease mechanism: loss of function.

Submission:

Molecular Genetics Laboratory, Motol Hospital
Classification: Pathogenic for Osteogenesis imperfecta type I. Last evaluated: 2024-10-11. Review status: criteria provided, single submitter. Criteria: ACMG Guidelines, 2015. Collection method: clinical testing. Allele origin: germline. Affected: yes. Observed: 1 variant allele.
Comment: The variant is located in the mutation hotspot within the exon 16 of the COL1A1 gene. The different nucleotide changes in the same position (c.1004G>T, c.1004G>A) or harboring position (c.1003G>A) have been classified as pathogenic or likely pathogenic in patients with osteogenesis imperfecta.

Literature cited by the submitters: PubMed 31737030; PubMed 30614853; PubMed 17078022.

NM_000088.4(COL1A1):c.1004G>C (p.Gly335Ala)

Gene: COL1A1 (collagen type I alpha 1 chain; minus strand). Cytogenetic location: 17q21.33.
Variant type: single nucleotide variant.
Coding change: c.1004G>C on transcript NM_000088.4 (MANE Select); coding-DNA position 1004, G replaced by C.
Protein change: p.Gly335Ala; replaces glycine 335 with alanine.
Molecular consequence: missense variant.
Genome position (GRCh38, 1-based): chr17:50,195,975, C>G on the plus strand (G>C on the coding strand, the complement: COL1A1 is on the minus strand). VCF-style: chr17-50195975-C-G. GRCh37 (hg19) VCF-style: chr17-48273336-C-G.
Other names: short protein forms G335A.
Identifiers: ClinVar variation 3362885 (VCV003362885.2).
Genomic context (GRCh38, chr17:50,195,975, plus strand): 5'-GGTCTCACCTTAGCACCAACAGCACCAGGGAAGCCAGGAGGACCAGCGGGGCCGGTGGGA[C>G]CCTGTGAATGAAATGGAGATGTCAGCGAGAAGGAAGAGATGGCAGCTGCAAGTCACACCC-3'
Protein context (NP_000079.2, residues 325-345): DGATGAAGPP[Gly335Ala]PTGPAGPPGF